The following is an entry in ClinVar:

NC_000002.12:g.121531004A>T

Genes: CLASP1 (cytoplasmic linker associated protein 1; minus strand), CLASP1-AS1 (CLASP1 antisense RNA 1; plus strand), RNU4ATAC (RNA, U4atac small nuclear; plus strand). Cytogenetic location: 2q14.2.
Variant type: single nucleotide variant.
Molecular consequence: intron variant (on NM_001395891.1).
Genome position: GRCh38 VCF-style: chr2-121531004-A-T. GRCh37 (hg19) VCF-style: chr2-122288580-A-T.
Other names: c.196-679T>A (NM_001142274.2, NM_015282.3, NM_001378003.1 and 5 more transcripts).
Identifiers: ClinVar variation 3022545 (VCV003022545.2), dbSNP rs1029551062, ClinGen allele CA54811046.

ClinVar aggregate classification (germline): Uncertain significance (1 of 4 stars; one submission).

gnomAD v4.1: 3 of 699,594 alleles (0.00043%); highest among the groups gnomAD compares: African/African-American, 0.0035%; no homozygotes.

Submission:

Labcorp Genetics (formerly Invitae), Labcorp
Classification: Uncertain significance. Last evaluated: 2023-07-26. Review status: criteria provided, single submitter. Criteria: Invitae Variant Classification Sherloc (09022015). Collection method: clinical testing. Allele origin: germline.
Comment: In summary, the available evidence is currently insufficient to determine the role of this variant in disease. Therefore, it has been classified as a Variant of Uncertain Significance. Experimental studies and prediction algorithms are not available or were not evaluated, and the functional significance of this variant is currently unknown. This variant has not been reported in the literature in individuals affected with RNU4ATAC-related conditions. This variant is present in population databases (no rsID available, gnomAD 0.007%). This variant occurs in the RNU4ATAC gene, which encodes an RNA molecule that does not result in a protein product.